The following is an entry in ClinVar:

NM_024795.4(TM4SF20):c.235A>T (p.Asn79Tyr)

Genes: TM4SF20 (transmembrane 4 L six family member 20; minus strand), LOC126806540 (CDK7 strongly-dependent group 2 enhancer GRCh37_chr2:228235290-228236489; plus strand). Cytogenetic location: 2q36.3.
Variant type: single nucleotide variant.
Coding change: c.235A>T on transcript NM_024795.4 (MANE Select); coding-DNA position 235, A replaced by T.
Protein change: p.Asn79Tyr; replaces asparagine 79 with tyrosine.
Molecular consequence: missense variant.
Genome position (GRCh38, 1-based): chr2:227,370,929, T>A on the plus strand (A>T on the coding strand, the complement: TM4SF20 is on the minus strand). VCF-style: chr2-227370929-T-A. GRCh37 (hg19) VCF-style: chr2-228235645-T-A.
Other names: short protein forms N79Y.
Identifiers: ClinVar variation 3772516 (VCV003772516.13).
Genomic context (GRCh38, chr2:227,370,929, plus strand): 5'-AACTGTTCATGCACTTCTGCTTCCACGCCGACTGCTTCATACTTACTCCAGTTCTGTTGT[T>A]GCAGCACGCTCTTTTTCTTGCTGTCAAGGACATTGTTGTTGCTGGAATGGCCTGGAAATG-3'
Protein context (NP_079071.2, residues 69-89): SLTARKRACC[Asn79Tyr]NRTGMFLSSL

ClinVar aggregate classification (germline): Uncertain significance (1 of 4 stars; one submission).

Submission:

CeGaT Center for Human Genetics Tuebingen
Classification: Uncertain significance. Last evaluated: 2025-02-01. Review status: criteria provided, single submitter. Criteria: CeGaT Center For Human Genetics Tuebingen Variant Classification Criteria Version 2. Collection method: clinical testing. Allele origin: germline. Affected: yes. Observed: 1 variant allele.
Comment: TM4SF20: PM2